The following is an entry in ClinVar:

ClinVar aggregate classification (germline): Uncertain significance (1 of 4 stars; one submission).

Conditions:
Hereditary insensitivity to pain with anhidrosis (CIPA). Also called: HSAN Type IV; NTRK1 Congenital Insensitivity to Pain with Anhidrosis; hereditary sensory and autonomic neuropathy type 4; FAMILIAL DYSAUTONOMIA, TYPE II; NEUROPATHY, CONGENITAL SENSORY, WITH ANHIDROSIS; INSENSITIVITY TO PAIN, CONGENITAL, WITH ANHIDROSIS. Identifiers: Orphanet 642, MedGen C0020074, MONDO:0009746, OMIM 256800.

Submission:

Labcorp Genetics (formerly Invitae), Labcorp
Classification: Uncertain significance for Hereditary insensitivity to pain with anhidrosis. Last evaluated: 2019-02-08. Review status: criteria provided, single submitter. Criteria: Invitae Variant Classification Sherloc (09022015). Collection method: clinical testing. Allele origin: germline.
Comment: In summary, the available evidence is currently insufficient to determine the role of this variant in disease. Therefore, it has been classified as a Variant of Uncertain Significance. Algorithms developed to predict the effect of missense changes on protein structure and function are either unavailable or do not agree on the potential impact of this missense change (SIFT: "Deleterious"; PolyPhen-2: "Benign"; Align-GVGD: "Class C65"). This variant has not been reported in the literature in individuals with NTRK1-related conditions. This variant is not present in population databases (ExAC no frequency). This sequence change replaces arginine with serine at codon 738 of the NTRK1 protein (p.Arg738Ser). The arginine residue is highly conserved and there is a moderate physicochemical difference between arginine and serine.

NM_002529.4(NTRK1):c.2230C>A (p.Arg744Ser)

Gene: NTRK1 (neurotrophic receptor tyrosine kinase 1; plus strand). Cytogenetic location: 1q23.1.
Variant type: single nucleotide variant.
Coding change: c.2230C>A on transcript NM_002529.4 (MANE Select); coding-DNA position 2230, C replaced by A.
Protein change: p.Arg744Ser; replaces arginine 744 with serine.
Molecular consequence: missense variant.
Genome position (GRCh38, 1-based): chr1:156,881,481, C>A. VCF-style: chr1-156881481-C-A. GRCh37 (hg19) VCF-style: chr1-156851273-C-A.
Other names: c.2122C>A, p.Arg708Ser (NM_001007792.1); c.2212C>A, p.Arg738Ser (NM_001012331.2); short protein forms R708S, R744S, R738S.
Identifiers: ClinVar variation 843545 (VCV000843545.9), dbSNP rs763591781, ClinGen allele CA342941396.